The following is an entry in ClinVar:

NM_001378454.1(ALMS1):c.450+2T>C

Gene: ALMS1 (ALMS1 centrosome and basal body associated protein; plus strand). Cytogenetic location: 2p13.1.
Variant type: single nucleotide variant.
Coding change: c.450+2T>C on transcript NM_001378454.1 (MANE Select); the canonical splice donor site of the intron after coding-DNA position 450, T replaced by C.
Molecular consequence: splice donor variant.
Genome position (GRCh38, 1-based): chr2:73,408,749, T>C. VCF-style: chr2-73408749-T-C. GRCh37 (hg19) VCF-style: chr2-73635877-T-C.
Other names: c.453+2T>C (NM_015120.4); c.450+2T>C (NM_015120.4).
Identifiers: ClinVar variation 936865 (VCV000936865.12), dbSNP rs1671019928, ClinGen allele CA347257757.

ClinVar aggregate classification (germline): Likely pathogenic. Review status: criteria provided, single submitter (1 of 4 stars). 2 submissions from 2 submitters: Likely pathogenic (1). 1 of the submissions does not count toward it. Last evaluated 2019-07-31.

Conditions:
Alstrom syndrome (ALMS). Identifiers: Orphanet 64, MedGen C0268425, MONDO:0008763, OMIM 203800.

Submissions (2):

Labcorp Genetics (formerly Invitae), Labcorp
Classification: Likely pathogenic for Alstrom syndrome. Last evaluated: 2019-07-31. Review status: criteria provided, single submitter. Criteria: Invitae Variant Classification Sherloc (09022015). Collection method: clinical testing. Allele origin: germline.
Comment: This variant is not present in population databases (ExAC no frequency). This variant has not been reported in the literature in individuals with ALMS1-related conditions. Algorithms developed to predict the effect of sequence changes on RNA splicing suggest that this variant may disrupt the consensus splice site, but this prediction has not been confirmed by published transcriptional studies. Donor and acceptor splice site variants typically lead to a loss of protein function (PMID: 16199547), and loss-of-function variants in ALMS1 are known to be pathogenic (PMID: 17594715). In summary, the currently available evidence indicates that the variant is pathogenic, but additional data are needed to prove that conclusively. Therefore, this variant has been classified as Likely Pathogenic. This sequence change affects a donor splice site in intron 2 of the ALMS1 gene. It is expected to disrupt RNA splicing and likely results in an absent or disrupted protein product.

Natera, Inc.
Classification: Likely pathogenic for Alstrom syndrome. Last evaluated: 2021-07-23. Review status: no assertion criteria provided. Collection method: clinical testing. Allele origin: germline. Not counted in ClinVar's aggregate classification.

Literature cited by the submitters: PubMed 16199547 (cited by Labcorp Genetics (formerly Invitae), Labcorp); PubMed 17594715 (cited by Labcorp Genetics (formerly Invitae), Labcorp).